The following is an entry in ClinVar:

NM_000260.4(MYO7A):c.2142C>G (p.Gly714=)

Gene: MYO7A (myosin VIIA; plus strand). Cytogenetic location: 11q13.5.
Variant type: single nucleotide variant.
Coding change: c.2142C>G on transcript NM_000260.4 (MANE Select); coding-DNA position 2142, C replaced by G.
Protein change: p.Gly714=; no amino-acid change (glycine 714 retained).
Molecular consequence: synonymous variant.
Genome position (GRCh38, 1-based): chr11:77,175,419, C>G. VCF-style: chr11-77175419-C-G. GRCh37 (hg19) VCF-style: chr11-76886465-C-G.
Other names: c.2142C>G, p.Gly714= (NM_001127180.2); c.2109C>G, p.Gly703= (NM_001369365.1).
Identifiers: ClinVar variation 1132872 (VCV001132872.13), dbSNP rs1555079508, ClinGen allele CA475794665.

ClinVar aggregate classification (germline): Likely benign. Review status: criteria provided, multiple submitters, no conflicts (2 of 4 stars). 3 submissions from 3 submitters: Likely benign (2). 1 of the submissions does not count toward it. Last evaluated 2025-06-15.

Conditions:
MYO7A-related disorder. Also called: MYO7A-related disorders.

Allele frequency attached by ClinVar (database versions not stated): gnomAD 0.00001.
gnomAD v4.1: 13 of 1,613,258 alleles (0.00081%); highest among the groups gnomAD compares: Admixed American, 0.022%; 1 homozygote.

Submissions (3):

Labcorp Genetics (formerly Invitae), Labcorp
Classification: Likely benign. Last evaluated: 2025-06-15. Review status: criteria provided, single submitter. Criteria: Invitae Variant Classification Sherloc (09022015). Collection method: clinical testing. Allele origin: germline.

GeneDx
Classification: Likely benign. Last evaluated: 2020-10-12. Review status: criteria provided, single submitter. Criteria: GeneDx Variant Classification Process June 2021. Collection method: clinical testing. Allele origin: germline. Affected: yes.

PreventionGenetics, part of Exact Sciences
Classification: Likely benign for MYO7A-related condition. Last evaluated: 2024-01-05. Review status: no assertion criteria provided. Collection method: clinical testing. Allele origin: germline. Not counted in ClinVar's aggregate classification.
Comment: This variant is classified as likely benign based on ACMG/AMP sequence variant interpretation guidelines (Richards et al. 2015 PMID: 25741868, with internal and published modifications).